The following is an entry in ClinVar:

NM_052947.4(ALPK2):c.1159G>A (p.Val387Met)

Genes: ALPK2 (alpha kinase 2; minus strand), LOC114803473 (ALPK2 eExon liver enhancer; plus strand). Cytogenetic location: 18q21.31.
Variant type: single nucleotide variant.
Coding change: c.1159G>A on transcript NM_052947.4 (MANE Select); coding-DNA position 1159, G replaced by A.
Protein change: p.Val387Met; replaces valine 387 with methionine.
Molecular consequence: missense variant.
Genome position (GRCh38, 1-based): chr18:58,579,617, C>T on the plus strand (G>A on the coding strand, the complement: ALPK2 is on the minus strand). VCF-style: chr18-58579617-C-T. GRCh37 (hg19) VCF-style: chr18-56246849-C-T.
Other names: short protein forms V387M.
Identifiers: ClinVar variation 3289138 (VCV003289138.1).

ClinVar aggregate classification (germline): Uncertain significance (1 of 4 stars; one submission).

gnomAD v4.1: 3 of 1,613,780 alleles (0.00019%); highest among the groups gnomAD compares: Admixed American, 0.0033%; no homozygotes.

Submission:

Ambry Genetics
Classification: Uncertain significance. Last evaluated: 2024-05-24. Review status: criteria provided, single submitter. Criteria: Ambry Variant Classification Scheme 2023. Collection method: clinical testing. Allele origin: germline.
Comment: The p.V387M variant (also known as c.1159G>A), located in coding exon 3 of the ALPK2 gene, results from a G to A substitution at nucleotide position 1159. The valine at codon 387 is replaced by methionine, an amino acid with highly similar properties. This amino acid position is conserved. In addition, this alteration is predicted to be tolerated by in silico analysis. Based on the available evidence, the clinical significance of this variant remains unclear.